The following is an entry in ClinVar:

NM_001105206.3(LAMA4):c.2548A>C (p.Thr850Pro)

Gene: LAMA4 (laminin subunit alpha 4; minus strand). Cytogenetic location: 6q21.
Variant type: single nucleotide variant.
Coding change: c.2548A>C on transcript NM_001105206.3 (MANE Select); coding-DNA position 2548, A replaced by C.
Protein change: p.Thr850Pro; replaces threonine 850 with proline.
Molecular consequence: missense variant.
Genome position (GRCh38, 1-based): chr6:112,142,238, T>G on the plus strand (A>C on the coding strand, the complement: LAMA4 is on the minus strand). VCF-style: chr6-112142238-T-G. GRCh37 (hg19) VCF-style: chr6-112463440-T-G.
Other names: c.2527A>C, p.Thr843Pro (NM_001105207.3, NM_002290.5); short protein forms T843P, T850P.
Identifiers: ClinVar variation 1792601 (VCV001792601.2), dbSNP rs1554333497, ClinGen allele CA365382096.
Genomic context (GRCh38, chr6:112,142,238, plus strand): 5'-TCACAGGGGGTTTCATGTACAGGCTCAGAGACGTGAAGGCCTTTAAGTCATCCATACTGG[T>G]TCTCGAGTGCACTTCCACAGCTGACTGGCCATCAAACATCATGGAGACTTGGATCTGGAG-3'
Protein context (NP_001098676.2, residues 840-860): GQSAVEVHSR[Thr850Pro]SMDDLKAFTS

ClinVar aggregate classification (germline): Uncertain significance (1 of 4 stars; one submission).

Conditions:
Cardiovascular phenotype. Identifiers: MedGen CN230736.

gnomAD v4.1: 6 of 1,614,114 alleles (0.00037%); highest among the groups gnomAD compares: Non-Finnish European, 0.00051%; no homozygotes.

Submission:

Ambry Genetics
Classification: Uncertain significance for Cardiovascular phenotype. Last evaluated: 2020-08-25. Review status: criteria provided, single submitter. Criteria: Ambry Variant Classification Scheme 2023. Collection method: clinical testing. Allele origin: germline.
Comment: The p.T843P variant (also known as c.2527A>C), located in coding exon 19 of the LAMA4 gene, results from an A to C substitution at nucleotide position 2527. The threonine at codon 843 is replaced by proline, an amino acid with highly similar properties. This amino acid position is poorly conserved in available vertebrate species. In addition, this alteration is predicted to be tolerated by in silico analysis. Since supporting evidence is limited at this time, the clinical significance of this alteration remains unclear.